The following is an entry in ClinVar:

NM_017617.5(NOTCH1):c.2613C>G (p.Asn871Lys)

Gene: NOTCH1 (notch receptor 1; minus strand). Cytogenetic location: 9q34.3.
Variant type: single nucleotide variant.
Coding change: c.2613C>G on transcript NM_017617.5 (MANE Select); coding-DNA position 2613, C replaced by G.
Protein change: p.Asn871Lys; replaces asparagine 871 with lysine.
Molecular consequence: missense variant.
Genome position (GRCh38, 1-based): chr9:136,510,780, G>C on the plus strand (C>G on the coding strand, the complement: NOTCH1 is on the minus strand). VCF-style: chr9-136510780-G-C. GRCh37 (hg19) VCF-style: chr9-139405232-G-C.
Other names: short protein forms N871K.
Identifiers: ClinVar variation 1793821 (VCV001793821.7), dbSNP rs767614547, ClinGen allele CA375555017.

ClinVar aggregate classification (germline): Uncertain significance. Review status: criteria provided, multiple submitters, no conflicts (2 of 4 stars). 3 submissions from 3 submitters: Uncertain significance (3). Last evaluated 2025-08-22.

Conditions:
Adams-Oliver syndrome 5 (AOS5). Identifiers: Orphanet 974, MedGen C4014970, MONDO:0014459, OMIM 616028.
Familial thoracic aortic aneurysm and aortic dissection (TAAD). Also called: Thoracic aortic aneurysms and dissections. Identifiers: Orphanet 91387, MedGen C4707243, MONDO:0019625.

gnomAD v4.1: 22 of 1,610,110 alleles (0.0014%); highest among the groups gnomAD compares: Non-Finnish European, 0.0017%; no homozygotes.

Submissions (3):

Labcorp Genetics (formerly Invitae), Labcorp
Classification: Uncertain significance for Adams-Oliver syndrome 5. Last evaluated: 2025-08-22. Review status: criteria provided, single submitter. Criteria: Invitae Variant Classification Sherloc (09022015). Collection method: clinical testing. Allele origin: germline.
Comment: This sequence change replaces asparagine, which is neutral and polar, with lysine, which is basic and polar, at codon 871 of the NOTCH1 protein (p.Asn871Lys). The frequency data for this variant in the population databases is considered unreliable, as metrics indicate poor data quality at this position in the gnomAD database. This variant has not been reported in the literature in individuals affected with NOTCH1-related conditions. ClinVar contains an entry for this variant (Variation ID: 1793821). Invitae Evidence Modeling of protein sequence and biophysical properties (such as structural, functional, and spatial information, amino acid conservation, physicochemical variation, residue mobility, and thermodynamic stability) indicates that this missense variant is not expected to disrupt NOTCH1 protein function with a negative predictive value of 95%. In summary, the available evidence is currently insufficient to determine the role of this variant in disease. Therefore, it has been classified as a Variant of Uncertain Significance.

Ambry Genetics
Classification: Uncertain significance for Familial thoracic aortic aneurysm and aortic dissection. Last evaluated: 2025-04-07. Review status: criteria provided, single submitter. Criteria: Ambry Variant Classification Scheme 2023. Collection method: clinical testing. Allele origin: germline.
Comment: The p.N871K variant (also known as c.2613C>G), located in coding exon 17 of the NOTCH1 gene, results from a C to G substitution at nucleotide position 2613. The asparagine at codon 871 is replaced by lysine, an amino acid with similar properties. This amino acid position is well conserved in available vertebrate species. In addition, this alteration is predicted to be tolerated by in silico analysis. Since supporting evidence is limited at this time, the clinical significance of this alteration remains unclear.

ARUP Laboratories, Molecular Genetics and Genomics, ARUP Laboratories
Classification: Uncertain significance. Last evaluated: 2024-06-04. Review status: criteria provided, single submitter. Criteria: ARUP Molecular Germline Variant Investigation Process 2024. Collection method: clinical testing. Allele origin: germline.
Comment: The NOTCH1 c.2613C>G; p.Asn871Lys variant (rs767614547), to our knowledge, is not reported in the medical literature but is reported in ClinVar (Variation ID: 1793821). This variant is absent from the Genome Aggregation Database (v2.1.1), indicating it is not a common polymorphism, but is considered a low confidence position in the database. Computational analyses are uncertain whether this variant is neutral or deleterious (REVEL: 0.324). Due to limited information, the clinical significance of this variant is uncertain at this time.